The following is an entry in ClinVar:

ClinVar aggregate classification (germline): Likely benign. Review status: criteria provided, multiple submitters, no conflicts (2 of 4 stars). 6 submissions from 6 submitters: Likely benign (5). 1 of the submissions does not count toward it. Last evaluated 2026-08-01.

Conditions:
Van Maldergem syndrome 1 (VMLDS1). Also called: Van Maldergem syndrome 1 (VMLDS1). Identifiers: Orphanet 314679, MedGen C4551950, MONDO:0011070, OMIM 601390.
DCHS1-related disorder. Also called: DCHS1-related condition.

Allele frequency attached by ClinVar (database versions not stated): 1000 Genomes Project 30x 0.00156; 1000 Genomes Project 0.00160; gnomAD 0.00335; ExAC 0.00337; gnomAD exomes 0.00355; TOPMed 0.00466; ESP Exome Variant Server 0.00485.
gnomAD v4.1: 8,519 of 1,613,954 alleles (0.53%); highest among the groups gnomAD compares: Non-Finnish European, 0.65%; 37 homozygotes.

Submissions (6):

CeGaT Center for Human Genetics Tuebingen
Classification: Likely benign. Last evaluated: 2026-08-01. Review status: criteria provided, single submitter. Criteria: CeGaT Center For Human Genetics Tuebingen Variant Classification Criteria Version 2. Collection method: clinical testing. Allele origin: germline. Affected: yes. Observed: 24 variant alleles.
Comment: DCHS1: BS2

Labcorp Genetics (formerly Invitae), Labcorp
Classification: Likely benign. Last evaluated: 2026-02-04. Review status: criteria provided, single submitter. Criteria: Invitae Variant Classification Sherloc (09022015). Collection method: clinical testing. Allele origin: germline.

GeneDx
Classification: Likely benign. Last evaluated: 2020-03-05. Review status: criteria provided, single submitter. Criteria: GeneDx Variant Classification Process June 2021. Collection method: clinical testing. Allele origin: germline. Affected: yes.
Comment: This variant is associated with the following publications: (PMID: 28554332)

HudsonAlpha Institute for Biotechnology
Classification: Likely benign for Van Maldergem syndrome 1. Last evaluated: 2017-12-05. Review status: criteria provided, single submitter. Criteria: HA_assertions_20161101. Collection method: research. Allele origin: paternal. Observed: 1 variant allele. Study: CSER-HudsonAlpha.

Breakthrough Genomics
Classification: Likely benign. Review status: criteria provided, single submitter. Criteria: ACMG Guidelines, 2015. Collection method: not provided. Allele origin: germline. Inheritance: Autosomal recessive inheritance. Affected: yes.

PreventionGenetics, part of Exact Sciences
Classification: Likely benign for DCHS1-related condition. Last evaluated: 2019-10-21. Review status: no assertion criteria provided. Collection method: clinical testing. Allele origin: germline. Not counted in ClinVar's aggregate classification.
Comment: This variant is classified as likely benign based on ACMG/AMP sequence variant interpretation guidelines (Richards et al. 2015 PMID: 25741868, with internal and published modifications).

NM_003737.4(DCHS1):c.3158G>C (p.Trp1053Ser)

Gene: DCHS1 (dachsous cadherin-related 1; minus strand). Cytogenetic location: 11p15.4.
Variant type: single nucleotide variant.
Coding change: c.3158G>C on transcript NM_003737.4 (MANE Select); coding-DNA position 3158, G replaced by C.
Protein change: p.Trp1053Ser; replaces tryptophan 1053 with serine.
Molecular consequence: missense variant.
Genome position (GRCh38, 1-based): chr11:6,632,354, C>G on the plus strand (G>C on the coding strand, the complement: DCHS1 is on the minus strand). VCF-style: chr11-6632354-C-G. GRCh37 (hg19) VCF-style: chr11-6653585-C-G.
Other names: short protein forms W1053S.
Identifiers: ClinVar variation 224097 (VCV000224097.36), dbSNP rs138340204, ClinGen allele CA211943.
Genomic context (GRCh38, chr11:6,632,354, plus strand): 5'-ATTACCTTCAGTATGTACAATTCCTGGGCCTCACGGTCTAGTGCTGCCCGCACCCATAGC[C>G]ACCCACTCTGTGGCTCCAGGCCAAAGGGGCTACTTGCTCCCTCTGCTGCAAGGTGATAGG-3'
Protein context (NP_003728.1, residues 1043-1063): SPFGLEPQSG[Trp1053Ser]LWVRAALDRE